The following is an entry in ClinVar:

NM_000051.4(ATM):c.6937A>T (p.Lys2313Ter)

Genes: ATM (ATM serine/threonine kinase; plus strand), C11orf65 (chromosome 11 open reading frame 65; minus strand). Cytogenetic location: 11q22.3.
Variant type: single nucleotide variant.
Coding change: c.6937A>T on transcript NM_000051.4 (MANE Select); coding-DNA position 6937, A replaced by T.
Protein change: p.Lys2313Ter; replaces lysine 2313 with a stop codon.
Molecular consequence: nonsense. On other transcripts: intron variant (2).
Genome position (GRCh38, 1-based): chr11:108,326,187, A>T. VCF-style: chr11-108326187-A-T. GRCh37 (hg19) VCF-style: chr11-108196914-A-T.
Other names: c.6937A>T, p.Lys2313Ter (NM_001351834.2); c.641-17116T>A (NM_001330368.2); c.*38+9033T>A (NM_001351110.2); short protein forms K2313*.
Identifiers: ClinVar variation 1376441 (VCV001376441.9), dbSNP rs2136338211, ClinGen allele CA382557212.

ClinVar aggregate classification (germline): Pathogenic. Review status: criteria provided, multiple submitters, no conflicts (2 of 4 stars). 2 submissions from 2 submitters: Pathogenic (2). Last evaluated 2021-09-18.

Conditions:
Hereditary cancer-predisposing syndrome. Also called: Tumor predisposition; Neoplastic Syndromes, Hereditary; Hereditary Cancer Syndrome; Hereditary neoplastic syndrome. Identifiers: Orphanet 140162, MedGen C0027672, MeSH D009386, MONDO:0015356.
Ataxia-telangiectasia syndrome (AT). Also called: Ataxia-telangiectasia; LOUIS-BAR SYNDROME; Ataxia-telangiectasia, complementation group D; AT, COMPLEMENTATION GROUP C; ATAXIA-TELANGIECTASIA, COMPLEMENTATION GROUP A; ATAXIA-TELANGIECTASIA, FRESNO VARIANT. Identifiers: Orphanet 100, MedGen C0004135, MONDO:0008840, OMIM 208900.

Submissions (2):

Labcorp Genetics (formerly Invitae), Labcorp
Classification: Pathogenic for Ataxia-telangiectasia syndrome. Last evaluated: 2021-09-18. Review status: criteria provided, single submitter. Criteria: Invitae Variant Classification Sherloc (09022015). Collection method: clinical testing. Allele origin: germline.
Comment: This variant is not present in population databases (ExAC no frequency). For these reasons, this variant has been classified as Pathogenic. This variant has not been reported in the literature in individuals affected with ATM-related conditions. This sequence change creates a premature translational stop signal (p.Lys2313*) in the ATM gene. It is expected to result in an absent or disrupted protein product. Loss-of-function variants in ATM are known to be pathogenic (PMID: 23807571, 25614872).

Ambry Genetics
Classification: Pathogenic for Hereditary cancer-predisposing syndrome. Last evaluated: 2021-05-28. Review status: criteria provided, single submitter. Criteria: Ambry Variant Classification Scheme 2023. Collection method: clinical testing. Allele origin: germline.
Comment: The p.K2313* pathogenic mutation (also known as c.6937A>T), located in coding exon 46 of the ATM gene, results from an A to T substitution at nucleotide position 6937. This changes the amino acid from a lysine to a stop codon within coding exon 46. This alteration is expected to result in loss of function by premature protein truncation or nonsense-mediated mRNA decay. As such, this alteration is interpreted as a disease-causing mutation.

Literature cited by the submitters: PubMed 23807571 (cited by Labcorp Genetics (formerly Invitae), Labcorp); PubMed 25614872 (cited by Labcorp Genetics (formerly Invitae), Labcorp).